The following is an entry in ClinVar:

NM_000278.5(PAX2):c.832G>C (p.Asp278His)

Gene: PAX2 (paired box 2; plus strand). Cytogenetic location: 10q24.31.
Variant type: single nucleotide variant.
Coding change: c.832G>C on transcript NM_000278.5 (MANE Select); coding-DNA position 832, G replaced by C.
Protein change: p.Asp278His; replaces aspartic acid 278 with histidine.
Molecular consequence: missense variant.
Genome position (GRCh38, 1-based): chr10:100,809,149, G>C. VCF-style: chr10-100809149-G-C. GRCh37 (hg19) VCF-style: chr10-102568906-G-C.
Other names: c.925G>C, p.Asp309His (NM_001304569.2); c.901G>C, p.Asp301His (NM_003987.5, NM_003990.5); c.832G>C, p.Asp278His (NM_003988.5, NM_003989.5); short protein forms D309H, D278H, D301H.
Identifiers: ClinVar variation 4793474 (VCV004793474.1).
Genomic context (GRCh38, chr10:100,809,149, plus strand): 5'-CACTTTTCTCTCTCCTCCCAGGGGAACGAGTACTCCCTCCCAGCCCTGACCCCTGGGCTT[G>C]ATGAAGTCAAGTCGAGTCTATCTGCATCCACCAACCCTGAGCTGGGCAGCAACGTGTCAG-3'
Protein context (NP_000269.3, residues 268-288): YSLPALTPGL[Asp278His]EVKSSLSAST

ClinVar aggregate classification (germline): Uncertain significance (1 of 4 stars; one submission).

Conditions:
Focal segmental glomerulosclerosis 7 (FSGS7). Identifiers: Orphanet 656, MedGen C4014925, MONDO:0014451, OMIM 616002.
Renal coloboma syndrome (PAPRS). Also called: COLOBOMA OF OPTIC NERVE WITH RENAL DISEASE; OPTIC COLOBOMA, VESICOURETERAL REFLUX, AND RENAL ANOMALIES; OPTIC NERVE COLOBOMA WITH RENAL DISEASE; PAPILLORENAL SYNDROME; RENAL-COLOBOMA SYNDROME WITH MACULAR ABNORMALITIES; PAPILLORENAL SYNDROME WITH MILD OCULAR ABNORMALITIES. Identifiers: Orphanet 1475, MedGen C1852759, MONDO:0007352, OMIM 120330.

gnomAD v4.1: 8 of 1,613,660 alleles (0.0005%); highest among the groups gnomAD compares: South Asian, 0.0088%; 1 homozygote.

Submission:

Labcorp Genetics (formerly Invitae), Labcorp
Classification: Uncertain significance for Renal coloboma syndrome; Focal segmental glomerulosclerosis 7. Last evaluated: 2025-08-29. Review status: criteria provided, single submitter. Criteria: Invitae Variant Classification Sherloc (09022015). Collection method: clinical testing. Allele origin: germline.
Comment: This sequence change replaces aspartic acid, which is acidic and polar, with histidine, which is basic and polar, at codon 278 of the PAX2 protein (p.Asp278His). This variant is present in population databases (rs767014534, gnomAD 0.01%). This variant has not been reported in the literature in individuals affected with PAX2-related conditions. Experimental studies and prediction algorithms are not available or were not evaluated, and the functional significance of this variant is currently unknown. In summary, the available evidence is currently insufficient to determine the role of this variant in disease. Therefore, it has been classified as a Variant of Uncertain Significance.